The following is an entry in ClinVar:

ClinVar aggregate classification (germline): Uncertain significance. Review status: criteria provided, multiple submitters, no conflicts (2 of 4 stars). 2 submissions from 2 submitters: Uncertain significance (2). Last evaluated 2023-05-02.

Submissions (2):

GeneDx
Classification: Uncertain significance. Last evaluated: 2023-05-02. Review status: criteria provided, single submitter. Criteria: GeneDx Variant Classification Process June 2021. Collection method: clinical testing. Allele origin: germline. Affected: yes.
Comment: Not observed at significant frequency in large population cohorts (gnomAD); Frameshift variant predicted to result in protein truncation or nonsense mediated decay in a gene or region of a gene for which loss of function is not a well-established mechanism of disease; Has not been previously published as pathogenic or benign to our knowledge

Labcorp Genetics (formerly Invitae), Labcorp
Classification: Uncertain significance. Last evaluated: 2022-11-08. Review status: criteria provided, single submitter. Criteria: Invitae Variant Classification Sherloc (09022015). Collection method: clinical testing. Allele origin: germline.
Comment: This sequence change creates a premature translational stop signal (p.His139Glnfs*72) in the TUBA8 gene. It is expected to result in an absent or disrupted protein product. However, the current clinical and genetic evidence is not sufficient to establish whether loss-of-function variants in TUBA8 cause disease. This variant is present in population databases (rs572043266, gnomAD 0.005%). This variant has not been reported in the literature in individuals affected with TUBA8-related conditions. In summary, the available evidence is currently insufficient to determine the role of this variant in disease. Therefore, it has been classified as a Variant of Uncertain Significance.

NM_018943.3(TUBA8):c.417_418del (p.His139fs)

Gene: TUBA8 (tubulin alpha 8; plus strand). Cytogenetic location: 22q11.21.
Variant type: Microsatellite.
Coding change: c.417_418del on transcript NM_018943.3 (MANE Select); coding-DNA positions 417 to 418, 2 bases deleted (CA; older notation c.417_418delCA).
Protein change: p.His139fs; shifts the reading frame from histidine 139.
Molecular consequence: frameshift variant.
Genome position (GRCh38, 1-based): chr22:18,126,395-18,126,396, CA deleted; deleting any 2 consecutive bases within chr22:18,126,393-18,126,396 gives the same sequence; the c. name uses the placement nearest the transcript's 3' end. VCF-style (leftmost placement, unchanged base first): chr22-18126392-CCA-C. GRCh37 (hg19) VCF-style: chr22-18609159-CCA-C.
Other names: c.219_220del, p.His73fs (NM_001193414.2); c.417_418del (NM_018943.2); short protein forms H139fs, H73fs.
Identifiers: ClinVar variation 2186368 (VCV002186368.5), dbSNP rs572043266, ClinGen allele CA10093674.